The following is an entry in ClinVar:

NM_024063.3(AFG2B):c.527G>T (p.Gly176Val)

Gene: AFG2B (AAA ATPase AFG2B; plus strand). Cytogenetic location: 15q21.1.
Variant type: single nucleotide variant.
Coding change: c.527G>T on transcript NM_024063.3 (MANE Select); coding-DNA position 527, G replaced by T.
Protein change: p.Gly176Val; replaces glycine 176 with valine.
Molecular consequence: missense variant. On other transcripts: non-coding transcript variant (5).
Genome position (GRCh38, 1-based): chr15:45,402,956, G>T. VCF-style: chr15-45402956-G-T. GRCh37 (hg19) VCF-style: chr15-45695154-G-T.
Other names: p.Gly176Val; c.527G>T (NM_024063.2); c.527G>T, p.Gly176Val (NM_001323640.2); short protein forms G176V.
Identifiers: ClinVar variation 976779 (VCV000976779.66), dbSNP rs145451123, ClinGen allele CA7543173.
Genomic context (GRCh38, chr15:45,402,956, plus strand): 5'-CTCCTGGCCTGGTGGCTGCCTTGCACATCGTCGGCGGGACGCCCAGTCCCGATCCCGCTG[G>T]GCTGGTCACCCCTCGTACCCGCGTCAGCCTTGGCGGGGAGCCTCCGTCGGAAGCCCAGCC-3'
Protein context (NP_076968.2, residues 166-186): VGGTPSPDPA[Gly176Val]LVTPRTRVSL

ClinVar aggregate classification (germline): Conflicting classifications of pathogenicity. Review status: criteria provided, conflicting classifications (1 of 4 stars). 18 submissions from 17 submitters: Pathogenic (7); Likely pathogenic (6); Uncertain significance (1). 4 of the submissions do not count toward it. Last evaluated 2025-09-04.

Conditions:
SPATA5L1-related disorder.
AFG2B-related disorder. Also called: AFG2B-related condition.
Inborn genetic diseases. Identifiers: MedGen C0950123, MeSH D030342.
Hearing loss, autosomal recessive 119. Also called: DEAFNESS, AUTOSOMAL RECESSIVE 119. Identifiers: MedGen C5562023, MONDO:0030480, OMIM 619615.
Neurodevelopmental disorder with hearing loss and spasticity. Identifiers: Orphanet 659975, MedGen C5562024, MONDO:0859206, OMIM 619616.
SPATA5L1-associated disorder.
Neurodevelopmental delay. Identifiers: MedGen C4022738, HP:0012758.

Allele frequency attached by ClinVar (database versions not stated): 1000 Genomes Project 0.00040; 1000 Genomes Project 30x 0.00047; ExAC 0.00074; ESP Exome Variant Server 0.00078; gnomAD exomes 0.00080 and 0.00151; TOPMed 0.00093; gnomAD 0.00098.
gnomAD v4.1: 2,301 of 1,597,330 alleles (0.14%); highest among the groups gnomAD compares: Non-Finnish European, 0.18%; no homozygotes.

Submissions 1 to 9 of 18:

First Genomix Gene Laboratory, Genetic Diagnostics Department
Classification: Pathogenic for Hearing loss, autosomal recessive 119; Neurodevelopmental disorder with hearing loss and spasticity. Last evaluated: 2025-09-04. Review status: criteria provided, single submitter. Criteria: ACMG Guidelines, 2015. Collection method: clinical testing. Allele origin: germline. Inheritance: Autosomal recessive inheritance. Affected: no. Observed: 1 variant allele.

Rady Children's Institute for Genomic Medicine, Rady Children's Hospital San Diego
Classification: Pathogenic for Neurodevelopmental disorder with hearing loss and spasticity. Last evaluated: 2025-07-26. Review status: criteria provided, single submitter. Criteria: ACMG Guidelines, 2015. Collection method: clinical testing. Allele origin: germline. Affected: yes.
Comment: The c.527G>T (p.Gly176Val) variant affects a moderately conserved amino acid and in silico tools used to predict the effect of this variant on protein function yield discordant results. This variant has been previously reported as a compound heterozygous change in patients with neurodevelopmental disorder with hearing loss and spasticity (PMID: 34626583, 37902276, 39333051). The c.527G>T (p.Gly176Val) variant is present in the latest version of the gnomAD population database at an allele frequency of 0.14% (2301/1597330), and is absent in the homozygous state, thus is presumed to be rare. Based on the available evidence, c.527G>T (p.Gly176Val) is classified as Pathogenic.

CeGaT Center for Human Genetics Tuebingen
Classification: Pathogenic. Last evaluated: 2025-02-01. Review status: criteria provided, single submitter. Criteria: CeGaT Center For Human Genetics Tuebingen Variant Classification Criteria Version 2. Collection method: clinical testing. Allele origin: germline. Affected: yes. Observed: 4 variant alleles.
Comment: AFG2B: PM3:Strong, PP1:Strong, PM2:Supporting, PP3

Ambry Genetics
Classification: Pathogenic for Inborn genetic diseases. Last evaluated: 2025-01-28. Review status: criteria provided, single submitter. Criteria: Ambry Variant Classification Scheme 2023. Collection method: clinical testing. Allele origin: germline.
Comment: The c.527G>T (p.G176V) alteration is located in exon 1 (coding exon 1) of the AFG2B gene. This alteration results from a G to T substitution at nucleotide position 527, causing the glycine (G) at amino acid position 176 to be replaced by a valine (V). Based on data from gnomAD, the T allele has an overall frequency of 0.082% (209/254234) total alleles studied. The highest observed frequency was 0.205% (20/9772) of Ashkenazi Jewish alleles. This variant has been identified in conjunction with other variants in this same gene in individuals with features consistent with AFG2B-related neurodevelopmental disorder or isolated hearing loss (Richard, 2021; Grosch, 2024; Rodriguez-Valero, 2024). This variant has segregated with disease in at least one family (Richard, 2021). This amino acid position is highly conserved in available vertebrate species. The in silico prediction for this alteration is inconclusive. Based on the available evidence, this alteration is classified as pathogenic.

Blueprint Genetics
Classification: Uncertain significance. Last evaluated: 2024-11-27. Review status: criteria provided, single submitter. Criteria: ACMG Guidelines, 2015. Collection method: clinical testing. Allele origin: germline.

3billion
Classification: Likely pathogenic for Hearing loss, autosomal recessive 119. Last evaluated: 2024-07-17. Review status: criteria provided, single submitter. Criteria: ACMG Guidelines, 2015. Collection method: clinical testing. Allele origin: germline. Affected: yes.
Comment: The variant is observed at an extremely low frequency in the gnomAD v4.0.0 dataset (total allele frequency: 0.144%). Predicted Consequence/Location: Missense variant The same nucleotide change resulting in the same amino acid change has been previously reported as pathogenic/likely pathogenic with strong evidence (ClinVar ID: VCV000976779). Therefore, this variant is classified as Likely pathogenic according to the recommendation of ACMG/AMP guideline.

Institute of Human Genetics, University of Leipzig Medical Center
Classification: Pathogenic for Neurodevelopmental disorder with hearing loss and spasticity. Last evaluated: 2023-08-18. Review status: criteria provided, single submitter. Criteria: ACMG Guidelines, 2015. Collection method: clinical testing. Allele origin: paternal. Inheritance: Autosomal recessive inheritance. Affected: yes.
Comment: Criteria applied: PM3_VSTR,PP1_MOD,PP3

Victorian Clinical Genetics Services, Murdoch Childrens Research Institute
Classification: Pathogenic for Neurodevelopmental disorder with hearing loss and spasticity. Last evaluated: 2023-07-17. Review status: criteria provided, single submitter. Criteria: ACMG Guidelines, 2015. Collection method: clinical testing. Allele origin: germline. Inheritance: Autosomal recessive inheritance. Affected: yes.
Comment: Based on the classification scheme VCGS_Germline_v1.3.4, this variant is classified as Pathogenic. Following criteria are met: 0102 - Loss of function is a known mechanism of disease in this gene and is associated with neurodevelopmental disorder with hearing loss and spasticity (MIM#619616) and deafness, autosomal recessive 119 (MIM#619615). (I) 0106 - This gene is associated with autosomal recessive disease. (I) 0200 - Variant is predicted to result in a missense amino acid change from glycine to valine. (I) 0251 - This variant is heterozygous. (I) 0304 - Variant is present in gnomAD (v2) <0.01 for a recessive condition (209 heterozygotes, 0 homozygotes). (SP) 0502 - Missense variant with conflicting in silico predictions and uninformative conservation. (SP) 0604 - Variant is not located in an established domain, motif, hotspot or informative constraint region. (I) 0705 - No comparable missense variants have previous evidence for pathogenicity. (I) 0801 - This variant has strong previous evidence of pathogenicity in unrelated individuals. This variant has been classified as pathogenic or likely pathogenic by multiple clinical laboratories in ClinVar, and has been observed as compound heterozygous in three individuals with neurodevelopmental disorders with hearing impairments, and in two families with isolated hearing impairments (PMID: 34626583). (SP) 0901 - This variant has strong evidence for segregation with disease. This variant has been seen to cosegregate with disease in multiple members of two large families with isolated hearing impairment, in compound heterozygous state with the Ashkenazi Jewish founder mutation p.(Ile466Met) (PMID: 34626583). (SP) 1007 - No published functional evidence has been identified for this variant. (I) 1208 - Inheritance information for this variant is not currently available in this individual. (I) Legend: (SP) - Supporting pathogenic, (I) - Information, (SB) - Supporting benign

Pittsburgh Clinical Genomics Laboratory, University of Pittsburgh Medical Center
Classification: Likely pathogenic for Neurodevelopmental disorder with hearing loss and spasticity. Last evaluated: 2023-05-30. Review status: criteria provided, single submitter. Criteria: ACMG Guidelines, 2015. Collection method: clinical testing. Allele origin: germline. Inheritance: Autosomal recessive inheritance. Affected: yes.
Comment: This sequence variant is a single nucleotide substitution (G>T) at position 527 of the coding sequence of the AFG2B gene that results in a glycine to valine amino acid change at residue 176 of the AFG2 AAA ATPase homolog B protein. This variant may be referred to as SPATA5L1 p.Gly176Val in the published literature or online databases. This is a previously reported variant (ClinVar 976779) that has been observed in an individual affected by infantile spasm syndrome (PMID: 26138355) and individuals affected by a variety of neurological disorders including spastic quadriplegia, microcephaly, intellectual delay, epilepsy, dysmorphic features, hearing impairment, and brain anomalies (PMID: 34626583). In addition, this variant co-segregated with non-syndromic hearing loss without neurological features in three siblings (PMID: 34626583). All affected individuals were compound heterozygotes. This variant is present in 209 of 254234 alleles (0.0822%) in the gnomAD population dataset. Multiple bioinformatic tools predict that this glycine to valine amino acid change would be damaging, and the glycine residue at this position is highly conserved across the vertebrate species examined. Studies examining the functiol consequence of this variant have not been published, to our knowledge. Based upon the evidence, we consider this to be a likely pathogenic variant. ACMG Criteria: PM3, PP1, PP3, PP5